The following is an entry in ClinVar:

ClinVar aggregate classification (germline): Uncertain significance (1 of 4 stars; one submission).

Conditions:
Catecholaminergic polymorphic ventricular tachycardia (CVPT). Also called: Catecholamine-induced polymorphic ventricular tachycardia. Identifiers: Orphanet 3286, MedGen C5574922, MONDO:0017990.

Allele frequency attached by ClinVar (database versions not stated): gnomAD exomes below 0.00001.
gnomAD v4.1: 1 of 1,613,694 alleles (0.000062%); highest among the groups gnomAD compares: Non-Finnish European, 0.000085%; no homozygotes.

Submission:

All of Us Research Program, National Institutes of Health
Classification: Uncertain significance for Catecholaminergic polymorphic ventricular tachycardia. Last evaluated: 2024-02-05. Review status: criteria provided, single submitter. Criteria: ACMG Guidelines, 2015. Collection method: clinical testing. Allele origin: germline. Inheritance: Autosomal dominant inheritance. Observed: 1 variant allele, 1 heterozygote.
Comment: This missense variant replaces valine with alanine at codon 3467 of the RYR2 protein. Computational prediction is inconclusive regarding the impact of this variant on protein structure and function (internally defined REVEL score threshold 0.5 < inconclusive < 0.7, PMID: 27666373). To our knowledge, functional studies have not been reported for this variant. This variant has not been reported in individuals affected with RYR2-related disorders in the literature. This variant has not been identified in the general population by the Genome Aggregation Database (gnomAD). The available evidence is insufficient to determine the role of this variant in disease conclusively. Therefore, this variant is classified as a Variant of Uncertain Significance.

This study involves interpretation of variants in research participants for the purpose of population health screening. Participant phenotype was not available at the time of variant classification. Additional details can be found in publication PMID: 35346344, PMCID: PMC8962531

NM_001035.3(RYR2):c.10400T>C (p.Val3467Ala)

Gene: RYR2 (ryanodine receptor 2; plus strand). Cytogenetic location: 1q43.
Variant type: single nucleotide variant.
Coding change: c.10400T>C on transcript NM_001035.3 (MANE Select); coding-DNA position 10400, T replaced by C.
Protein change: p.Val3467Ala; replaces valine 3467 with alanine.
Molecular consequence: missense variant.
Genome position (GRCh38, 1-based): chr1:237,717,274, T>C. VCF-style: chr1-237717274-T-C. GRCh37 (hg19) VCF-style: chr1-237880574-T-C.
Other names: short protein forms V3467A.
Identifiers: ClinVar variation 3075461 (VCV003075461.1), dbSNP rs2547452053, ClinGen allele CA345414468.